The following is an entry in ClinVar:

NM_018136.5(ASPM):c.6575C>T (p.Ala2192Val)

Gene: ASPM (assembly factor for spindle microtubules; minus strand). Cytogenetic location: 1q31.3.
Variant type: single nucleotide variant.
Coding change: c.6575C>T on transcript NM_018136.5 (MANE Select); coding-DNA position 6575, C replaced by T.
Protein change: p.Ala2192Val; replaces alanine 2192 with valine.
Molecular consequence: missense variant. On other transcripts: intron variant (1).
Genome position (GRCh38, 1-based): chr1:197,102,676, G>A on the plus strand (C>T on the coding strand, the complement: ASPM is on the minus strand). VCF-style: chr1-197102676-G-A. GRCh37 (hg19) VCF-style: chr1-197071806-G-A.
Other names: c.4066-6512C>T (NM_001206846.2); short protein forms A2192V.
Identifiers: ClinVar variation 2756796 (VCV002756796.3), dbSNP rs2527296718, ClinGen allele CA344022597.

ClinVar aggregate classification (germline): Uncertain significance (1 of 4 stars; one submission).

Submission:

Labcorp Genetics (formerly Invitae), Labcorp
Classification: Uncertain significance. Last evaluated: 2023-08-30. Review status: criteria provided, single submitter. Criteria: Invitae Variant Classification Sherloc (09022015). Collection method: clinical testing. Allele origin: germline.
Comment: In summary, the available evidence is currently insufficient to determine the role of this variant in disease. Therefore, it has been classified as a Variant of Uncertain Significance. Advanced modeling of protein sequence and biophysical properties (such as structural, functional, and spatial information, amino acid conservation, physicochemical variation, residue mobility, and thermodynamic stability) has been performed at Invitae for this missense variant, however the output from this modeling did not meet the statistical confidence thresholds required to predict the impact of this variant on ASPM protein function. This variant has not been reported in the literature in individuals affected with ASPM-related conditions. This variant is not present in population databases (gnomAD no frequency). This sequence change replaces alanine, which is neutral and non-polar, with valine, which is neutral and non-polar, at codon 2192 of the ASPM protein (p.Ala2192Val).